The following is an entry in ClinVar:

NM_000458.4(HNF1B):c.727del (p.Gln243fs)

Genes: HNF1B (HNF1 homeobox B; minus strand), LOC126862549 (BRD4-independent group 4 enhancer GRCh37_chr17:36093401-36094600; plus strand). Cytogenetic location: 17q12.
Variant type: Deletion.
Coding change: c.727del on transcript NM_000458.4 (MANE Select); coding-DNA position 727, one base deleted (C; older notation c.727delC).
Protein change: p.Gln243fs; shifts the reading frame from glutamine 243.
Molecular consequence: frameshift variant.
Genome position (GRCh38, 1-based): chr17:37,733,639, G deleted on the plus strand (C on the coding strand, the reverse complement: HNF1B is on the minus strand); the first of 3 consecutive G bases (chr17:37,733,639-37,733,641); deleting any one gives the same sequence. VCF-style (leftmost placement, unchanged base first): chr17-37733638-TG-T. GRCh37 (hg19) VCF-style: chr17-36093631-TG-T.
Other names: c.649del, p.Gln217fs (NM_001165923.4, NM_001304286.2); short protein forms Q217fs, Q243fs.
Identifiers: ClinVar variation 635656 (VCV000635656.1), dbSNP rs2511809016, ClinGen allele CA913190779.
Genomic context (GRCh38, chr17:37,733,638, plus strand): 5'-GCCTCTCTCTCTTCCTTGCTGGGGTTCTTTTGCCGATCGTAGGCCTGGTACAAGATTTGC[TG>T]GGACGCGGGCCCCCATTTGAACCGGTTGCGGCGCATCTTCTTGTTGGTGGGCTCAGAGCA-3'

ClinVar aggregate classification (germline): Pathogenic (1 of 4 stars; one submission).

Conditions:
Renal cysts and diabetes syndrome (RCAD). Also called: Familial hypoplastic, glomerulocystic kidney; MATURITY-ONSET DIABETES OF THE YOUNG, TYPE 5. Identifiers: Orphanet 93111, MedGen C0431693, MONDO:0007669, OMIM 137920.

Submission:

Institute of Human Genetics, FAU Erlangen, Friedrich-Alexander-Universität Erlangen-Nürnberg
Classification: Pathogenic for Renal cysts and diabetes syndrome. Last evaluated: 2019-07-06. Review status: criteria provided, single submitter. Criteria: ACMG Guidelines, 2015. Collection method: literature only. Allele origin: germline. Affected: yes.
Comment: This variant and it's classification has been reported by Vasileiou et al. 2019; DOI:10.1101/576918. The variants has previously been reported in PMID:25700310; PMID:11918730; PMID:25536396 as "c.727delC; c.727delC" with clinical significance Pathogenic. It has been re-classified using InterVar and manual curation as Pathogenic based on PVS1 PM2 PP3.

Literature cited by the submitters: PubMed 25700310; PubMed 11918730; PubMed 25536396; DOI 10.1101/576918.